The following is an entry in ClinVar:

NM_001430.5(EPAS1):c.2417C>A (p.Thr806Asn)

Gene: EPAS1 (endothelial PAS domain protein 1; plus strand). Cytogenetic location: 2p21.
Variant type: single nucleotide variant.
Coding change: c.2417C>A on transcript NM_001430.5 (MANE Select); coding-DNA position 2417, C replaced by A.
Protein change: p.Thr806Asn; replaces threonine 806 with asparagine.
Molecular consequence: missense variant.
Genome position (GRCh38, 1-based): chr2:46,382,554, C>A. VCF-style: chr2-46382554-C-A. GRCh37 (hg19) VCF-style: chr2-46609693-C-A.
Other names: short protein forms T806N.
Identifiers: ClinVar variation 1790953 (VCV001790953.2), dbSNP rs748194018, ClinGen allele CA346706316.

ClinVar aggregate classification (germline): Uncertain significance (1 of 4 stars; one submission).

Conditions:
Inborn genetic diseases. Identifiers: MedGen C0950123, MeSH D030342.

Submission:

Ambry Genetics
Classification: Uncertain significance for Inborn genetic diseases. Last evaluated: 2021-06-23. Review status: criteria provided, single submitter. Criteria: Ambry Variant Classification Scheme 2023. Collection method: clinical testing. Allele origin: germline.
Comment: The p.T806N variant (also known as c.2417C>A), located in coding exon 15 of the EPAS1 gene, results from a C to A substitution at nucleotide position 2417. The threonine at codon 806 is replaced by asparagine, an amino acid with similar properties. This amino acid position is conserved. In addition, this alteration is predicted to be tolerated by in silico analysis. Since supporting evidence is limited at this time, the clinical significance of this alteration remains unclear.